The following is an entry in ClinVar:

ClinVar aggregate classification (germline): Uncertain significance (1 of 4 stars; one submission).

Conditions:
Inborn genetic diseases. Identifiers: MedGen C0950123, MeSH D030342.

gnomAD v4.1: 1 of 1,614,212 alleles (0.000062%); highest among the groups gnomAD compares: Non-Finnish European, 0.000085%; no homozygotes.

Submission:

Ambry Genetics
Classification: Uncertain significance for Inborn genetic diseases. Last evaluated: 2025-08-24. Review status: criteria provided, single submitter. Criteria: Ambry Variant Classification Scheme 2023. Collection method: clinical testing. Allele origin: germline.
Comment: The p.M505V variant (also known as c.1513A>G), located in coding exon 11 of the BMPR2 gene, results from an A to G substitution at nucleotide position 1513. The methionine at codon 505 is replaced by valine, an amino acid with highly similar properties. This amino acid position is conserved. In addition, the in silico prediction for this alteration is inconclusive. Based on the available evidence, the clinical significance of this variant remains unclear.

NM_001204.7(BMPR2):c.1513A>G (p.Met505Val)

Gene: BMPR2 (bone morphogenetic protein receptor type 2; plus strand). Cytogenetic location: 2q33.2.
Variant type: single nucleotide variant.
Coding change: c.1513A>G on transcript NM_001204.7 (MANE Select); coding-DNA position 1513, A replaced by G.
Protein change: p.Met505Val; replaces methionine 505 with valine.
Molecular consequence: missense variant.
Genome position (GRCh38, 1-based): chr2:202,552,815, A>G. VCF-style: chr2-202552815-A-G. GRCh37 (hg19) VCF-style: chr2-203417538-A-G.
Other names: short protein forms M505V.
Identifiers: ClinVar variation 4214396 (VCV004214396.1).